The following is an entry in ClinVar:

ClinVar aggregate classification (germline): Uncertain significance. Review status: criteria provided, multiple submitters, no conflicts (2 of 4 stars). 3 submissions from 3 submitters: Uncertain significance (3). Last evaluated 2025-05-06.

Conditions:
Early-infantile DEE. Also called: Early infantile epileptic encephalopathy; Early infantile epileptic encephalopathy with suppression bursts; Ohtahara syndrome. Identifiers: Orphanet 1934, MedGen C0393706, MONDO:0800491.
Inborn genetic diseases. Identifiers: MedGen C0950123, MeSH D030342.

Submissions (3):

Ambry Genetics
Classification: Uncertain significance for Inborn genetic diseases. Last evaluated: 2025-05-06. Review status: criteria provided, single submitter. Criteria: Ambry Variant Classification Scheme 2023. Collection method: clinical testing. Allele origin: germline.

Greenwood Genetic Center Diagnostic Laboratories, Greenwood Genetic Center
Classification: Uncertain significance. Last evaluated: 2024-08-01. Review status: criteria provided, single submitter. Criteria: ACMG Guidelines, 2015. Collection method: clinical testing. Allele origin: germline. Affected: yes.
Comment: PM2, BP4, PP2

Labcorp Genetics (formerly Invitae), Labcorp
Classification: Uncertain significance for Early-infantile DEE. Last evaluated: 2024-05-23. Review status: criteria provided, single submitter. Criteria: Invitae Variant Classification Sherloc (09022015). Collection method: clinical testing. Allele origin: germline.
Comment: This sequence change replaces serine, which is neutral and polar, with asparagine, which is neutral and polar, at codon 64 of the SCN8A protein (p.Ser64Asn). This variant is not present in population databases (gnomAD no frequency). This variant has not been reported in the literature in individuals affected with SCN8A-related conditions. Advanced modeling of protein sequence and biophysical properties (such as structural, functional, and spatial information, amino acid conservation, physicochemical variation, residue mobility, and thermodynamic stability) performed at Invitae indicates that this missense variant is not expected to disrupt SCN8A protein function with a negative predictive value of 95%. In summary, the available evidence is currently insufficient to determine the role of this variant in disease. Therefore, it has been classified as a Variant of Uncertain Significance.

NM_001330260.2(SCN8A):c.191G>A (p.Ser64Asn)

Genes: SCN8A (sodium voltage-gated channel alpha subunit 8; plus strand), LOC114803470 (SCN8A eExon liver enhancer; plus strand). Cytogenetic location: 12q13.13.
Variant type: single nucleotide variant.
Coding change: c.191G>A on transcript NM_001330260.2 (MANE Select); coding-DNA position 191, G replaced by A.
Protein change: p.Ser64Asn; replaces serine 64 with asparagine.
Molecular consequence: missense variant.
Genome position (GRCh38, 1-based): chr12:51,663,008, G>A. VCF-style: chr12-51663008-G-A. GRCh37 (hg19) VCF-style: chr12-52056792-G-A.
Other names: c.191G>A, p.Ser64Asn (NM_001177984.3, NM_001369788.1, NM_014191.4); c.191G>A (NM_014191.2); short protein forms S64N.
Identifiers: ClinVar variation 2842575 (VCV002842575.5), dbSNP rs2540119566, ClinGen allele CA385228238.